The following is an entry in ClinVar:

NM_201384.3(PLEC):c.8068C>T (p.His2690Tyr)

Gene: PLEC (plectin; minus strand). Cytogenetic location: 8q24.3.
Variant type: single nucleotide variant.
Coding change: c.8068C>T on transcript NM_201384.3 (MANE Select); coding-DNA position 8068, C replaced by T.
Protein change: p.His2690Tyr; replaces histidine 2690 with tyrosine.
Molecular consequence: missense variant.
Genome position (GRCh38, 1-based): chr8:143,921,753, G>A on the plus strand (C>T on the coding strand, the complement: PLEC is on the minus strand). VCF-style: chr8-143921753-G-A. GRCh37 (hg19) VCF-style: chr8-144995921-G-A.
Other names: c.8149C>T, p.His2717Tyr (NM_000445.5); c.4768C>T, p.His1590Tyr (NM_001410941.1); c.8026C>T, p.His2676Tyr (NM_201378.4); c.8002C>T, p.His2668Tyr (NM_201379.3); c.8479C>T, p.His2827Tyr (NM_201380.4); c.7972C>T, p.His2658Tyr (NM_201381.3); c.8068C>T, p.His2690Tyr (NM_201382.4); c.8080C>T, p.His2694Tyr (NM_201383.3); short protein forms H2694Y, H2676Y, H2658Y, H2668Y, H2717Y, H1590Y, H2690Y, H2827Y.
Identifiers: ClinVar variation 1975201 (VCV001975201.5), dbSNP rs1554686941, ClinGen allele CA372519689.

ClinVar aggregate classification (germline): Uncertain significance (1 of 4 stars; one submission).

Conditions:
Epidermolysis bullosa simplex 5B, with muscular dystrophy (EBS5B). Also called: Epidermolysis bullosa simplex with muscular dystrophy; EPIDERMOLYSIS BULLOSA SIMPLEX AND LIMB-GIRDLE MUSCULAR DYSTROPHY. Identifiers: Orphanet 257, MedGen C2931072, MONDO:0009181, OMIM 226670.
Epidermolysis bullosa simplex, Ogna type (EBS5A). Also called: Pidermolysis bullosa simplex 5A, Ogna type; EPIDERMOLYSIS BULLOSA SIMPLEX 5A, OGNA TYPE. Identifiers: Orphanet 79401, MedGen C0432317, MONDO:0007555, OMIM 131950.
Epidermolysis bullosa simplex 5C, with pyloric atresia (EBS5C). Also called: Epidermolysis bullosa simplex with pyloric atresia; PLEC-Related Epidermolysis Bullosa with Pyloric Atresia; PLEC1-Related Epidermolysis Bullosa with Pyloric Atresia. Identifiers: Orphanet 158684, MedGen C2677349, MONDO:0012807, OMIM 612138.
Autosomal recessive limb-girdle muscular dystrophy type 2Q (LGMDR17). Also called: MUSCULAR DYSTROPHY, LIMB-GIRDLE, AUTOSOMAL RECESSIVE 17. Identifiers: Orphanet 254361, MedGen C3150989, MONDO:0013390, OMIM 613723.
Epidermolysis bullosa simplex with nail dystrophy (EBS5D). Identifiers: MedGen C4225309, MONDO:0014661, OMIM 616487.

gnomAD v4.1: 17 of 1,612,468 alleles (0.0011%); highest among the groups gnomAD compares: Non-Finnish European, 0.0014%; no homozygotes.

Submission:

Labcorp Genetics (formerly Invitae), Labcorp
Classification: Uncertain significance for Autosomal recessive limb-girdle muscular dystrophy type 2Q; Epidermolysis bullosa simplex, Ogna type; Epidermolysis bullosa simplex with nail dystrophy; Epidermolysis bullosa simplex 5C, with pyloric atresia; Epidermolysis bullosa simplex 5B, with muscular dystrophy. Last evaluated: 2022-09-23. Review status: criteria provided, single submitter. Criteria: Invitae Variant Classification Sherloc (09022015). Collection method: clinical testing. Allele origin: germline.
Comment: This sequence change replaces histidine, which is basic and polar, with tyrosine, which is neutral and polar, at codon 2717 of the PLEC protein (p.His2717Tyr). This variant is present in population databases (no rsID available, gnomAD 0.0009%). This variant has not been reported in the literature in individuals affected with PLEC-related conditions. Algorithms developed to predict the effect of missense changes on protein structure and function (SIFT, PolyPhen-2, Align-GVGD) all suggest that this variant is likely to be tolerated. In summary, the available evidence is currently insufficient to determine the role of this variant in disease. Therefore, it has been classified as a Variant of Uncertain Significance.